The following is an entry in ClinVar:

ClinVar aggregate classification (germline): Uncertain significance (1 of 4 stars; one submission).

Conditions:
Spondyloepiphyseal dysplasia with congenital joint dislocations (SEDCJD). Also called: Chondrodysplasia with Congenital Joint Dislocations, CHST3-Related. Identifiers: Orphanet 263463, MedGen C1837657, MONDO:0007738, OMIM 143095.

Allele frequency attached by ClinVar (database versions not stated): gnomAD 0.00002; TOPMed 0.00002; ExAC 0.00004; gnomAD exomes 0.00004.
gnomAD v4.1: 64 of 1,613,392 alleles (0.004%); highest among the groups gnomAD compares: Non-Finnish European, 0.0049%; no homozygotes.

Submission:

Labcorp Genetics (formerly Invitae), Labcorp
Classification: Uncertain significance for Spondyloepiphyseal dysplasia with congenital joint dislocations. Last evaluated: 2023-03-30. Review status: criteria provided, single submitter. Criteria: Invitae Variant Classification Sherloc (09022015). Collection method: clinical testing. Allele origin: germline.
Comment: In summary, the available evidence is currently insufficient to determine the role of this variant in disease. Therefore, it has been classified as a Variant of Uncertain Significance. An algorithm developed to predict the effect of missense changes on protein structure and function (PolyPhen-2) suggests that this variant¬† is likely to be tolerated. ClinVar contains an entry for this variant (Variation ID: 1406214). This variant has not been reported in the literature in individuals affected with CHST3-related conditions. This variant is present in population databases (rs756821052, gnomAD 0.008%). This sequence change replaces isoleucine, which is neutral and non-polar, with leucine, which is neutral and non-polar, at codon 45 of the CHST3 protein (p.Ile45Leu).

NM_004273.5(CHST3):c.133A>T (p.Ile45Leu)

Gene: CHST3 (carbohydrate sulfotransferase 3; plus strand). Cytogenetic location: 10q22.1.
Variant type: single nucleotide variant.
Coding change: c.133A>T on transcript NM_004273.5 (MANE Select); coding-DNA position 133, A replaced by T.
Protein change: p.Ile45Leu; replaces isoleucine 45 with leucine.
Molecular consequence: missense variant.
Genome position (GRCh38, 1-based): chr10:72,005,975, A>T. VCF-style: chr10-72005975-A-T. GRCh37 (hg19) VCF-style: chr10-73765733-A-T.
Other names: short protein forms I45L.
Identifiers: ClinVar variation 1406214 (VCV001406214.6), dbSNP rs756821052, ClinGen allele CA5548007.
Genomic context (GRCh38, chr10:72,005,975, plus strand): 5'-GCCCTTTTCTTGGTTTTTGTGGTGATAGTTTTTGTCTTCATCGAAAAGGAAAATAAAATC[A>T]TATCAAGGTGAGGGTTGCAAGCCCAAGTCTTCATCTTCCTTTCAAGGTGGGGTGGGTGGG-3'
Protein context (NP_004264.2, residues 35-55): FVFIEKENKI[Ile45Leu]SRVSDKLKQI